The following is an entry in ClinVar:

ClinVar aggregate classification (germline): Uncertain significance (1 of 4 stars; one submission).

Allele frequency attached by ClinVar (database versions not stated): gnomAD exomes below 0.00001.
gnomAD v4.1: 4 of 1,610,970 alleles (0.00025%); highest among the groups gnomAD compares: Non-Finnish European, 0.00034%; no homozygotes.

Submission:

CeGaT Center for Human Genetics Tuebingen
Classification: Uncertain significance. Last evaluated: 2023-07-01. Review status: criteria provided, single submitter. Criteria: CeGaT Center For Human Genetics Tuebingen Variant Classification Criteria Version 2. Collection method: clinical testing. Allele origin: germline. Affected: yes. Observed: 1 variant allele.
Comment: PAX5: PM2, PP2

NM_016734.3(PAX5):c.541A>G (p.Ile181Val)

Genes: PAX5 (paired box 5; minus strand), LOC105376032 (uncharacterized LOC105376032; plus strand). Cytogenetic location: 9p13.2.
Variant type: single nucleotide variant.
Coding change: c.541A>G on transcript NM_016734.3 (MANE Select); coding-DNA position 541, A replaced by G.
Protein change: p.Ile181Val; replaces isoleucine 181 with valine.
Molecular consequence: missense variant. On other transcripts: non-coding transcript variant (2), intron variant (2).
Genome position (GRCh38, 1-based): chr9:37,002,711, T>C on the plus strand (A>G on the coding strand, the complement: PAX5 is on the minus strand). VCF-style: chr9-37002711-T-C. GRCh37 (hg19) VCF-style: chr9-37002708-T-C.
Other names: c.541A>G, p.Ile181Val (NM_001280547.2, NM_001280548.2, NM_001280549.2 and 2 more transcripts); c.217A>G, p.Ile73Val (NM_001280551.2, NM_001280556.2); c.343A>G, p.Ile115Val (NM_001280555.2); c.475+3762A>G (NM_001280553.2, NM_001280554.2); short protein forms I115V, I181V, I73V.
Identifiers: ClinVar variation 2579061 (VCV002579061.25), dbSNP rs2494413499, ClinGen allele CA373487420.
Genomic context (GRCh38, chr9:37,002,711, plus strand): 5'-CGTCTCTCTTGCGCTTGTTGGTGTCGGCGCTGGGGGACGTGATGCCCAGGATGCCGCTGA[T>C]GGAGTACGACGAGCCGGCCGAATCCGTGCTCACCGAGGACACCTGCGTCACGGAGCCAGT-3'
Protein context (NP_057953.1, residues 171-191): STDSAGSSYS[Ile181Val]SGILGITSPS